The following is an entry in ClinVar:

NM_001267550.2(TTN):c.96684C>T (p.Tyr32228=)

Genes: TTN (titin; minus strand), TTN-AS1 (TTN antisense RNA 1; plus strand), LOC126806421 (CDK7 strongly-dependent group 2 enhancer GRCh37_chr2:179407630-179408829; plus strand). Cytogenetic location: 2q31.2.
Variant type: single nucleotide variant.
Coding change: c.96684C>T on transcript NM_001267550.2 (MANE Select); coding-DNA position 96684, C replaced by T.
Protein change: p.Tyr32228=; no amino-acid change (tyrosine 32228 retained).
Molecular consequence: synonymous variant.
Genome position (GRCh38, 1-based): chr2:178,543,289, G>A on the plus strand (C>T on the coding strand, the complement: TTN is on the minus strand). VCF-style: chr2-178543289-G-A. GRCh37 (hg19) VCF-style: chr2-179408016-G-A.
Other names: p.Y30587Y:TAC>TAT; c.91761C>T, p.Tyr30587= (NM_001256850.1); c.69489C>T, p.Tyr23163= (NM_003319.4); c.88980C>T, p.Tyr29660= (NM_133378.4); c.69864C>T, p.Tyr23288= (NM_133432.3); c.70065C>T, p.Tyr23355= (NM_133437.4).
Identifiers: ClinVar variation 137814 (VCV000137814.60), dbSNP rs368423941, ClinGen allele CA291485.

ClinVar aggregate classification (germline): Conflicting classifications of pathogenicity. Review status: criteria provided, conflicting classifications (1 of 4 stars). 10 submissions from 10 submitters: Uncertain significance (1); Benign (1); Likely benign (6). 2 of the submissions do not count toward it. Last evaluated 2026-01-08.

Conditions:
TTN-related disorder. Also called: TTN-related disorders; TTN-related condition; TTN-related disease.
Cardiovascular phenotype. Identifiers: MedGen CN230736.
Dilated cardiomyopathy 1G (CMD1G). Identifiers: Orphanet 154, MedGen C1858763, MONDO:0011400, OMIM 604145.
Autosomal recessive limb-girdle muscular dystrophy type 2J (LGMDR10). Also called: Limb-girdle muscular dystrophy, type 2J; MUSCULAR DYSTROPHY, LIMB-GIRDLE, AUTOSOMAL RECESSIVE 10. Identifiers: Orphanet 140922, MedGen C1837342, MONDO:0012127, OMIM 608807.

Allele frequency attached by ClinVar (database versions not stated): ESP Exome Variant Server 0.00041; gnomAD 0.00016 and 0.00015; TOPMed 0.00017; ExAC 0.00021; gnomAD exomes 0.00030 and 0.00016.
gnomAD v4.1: 451 of 1,613,672 alleles (0.028%); highest among the groups gnomAD compares: Non-Finnish European, 0.035%; no homozygotes.

Submissions (10):

Labcorp Genetics (formerly Invitae), Labcorp
Classification: Likely benign for Dilated cardiomyopathy 1G; Autosomal recessive limb-girdle muscular dystrophy type 2J. Last evaluated: 2026-01-08. Review status: criteria provided, single submitter. Criteria: Invitae Variant Classification Sherloc (09022015). Collection method: clinical testing. Allele origin: germline.

PreventionGenetics, part of Exact Sciences
Classification: Likely benign for TTN-related condition. Last evaluated: 2025-03-11. Review status: criteria provided, single submitter. Criteria: ACMG Guidelines, 2015. Collection method: clinical testing. Allele origin: germline.
Comment: This variant is classified as likely benign based on ACMG/AMP sequence variant interpretation guidelines (Richards et al. 2015 PMID: 25741868, with internal and published modifications).

Blueprint Genetics
Classification: Likely benign. Last evaluated: 2024-10-04. Review status: criteria provided, single submitter. Criteria: ACMG Guidelines, 2015. Collection method: clinical testing. Allele origin: germline.

CeGaT Center for Human Genetics Tuebingen
Classification: Likely benign. Last evaluated: 2024-04-01. Review status: criteria provided, single submitter. Criteria: CeGaT Center For Human Genetics Tuebingen Variant Classification Criteria Version 2. Collection method: clinical testing. Allele origin: germline. Affected: yes. Observed: 2 variant alleles.
Comment: TTN: BP4, BP7

Ambry Genetics
Classification: Likely benign for Cardiovascular phenotype. Last evaluated: 2019-11-04. Review status: criteria provided, single submitter. Criteria: Ambry Variant Classification Scheme 2023. Collection method: clinical testing. Allele origin: germline.

Eurofins Ntd Llc (ga)
Classification: Uncertain significance. Last evaluated: 2017-06-29. Review status: criteria provided, single submitter. Criteria: EGL Classification Definitions 2015. Collection method: clinical testing. Allele origin: germline. Observed: 2 variant alleles, 2 heterozygotes.

Laboratory for Molecular Medicine, Mass General Brigham Personalized Medicine
Classification: Likely benign. Last evaluated: 2015-04-03. Review status: criteria provided, single submitter. Criteria: LMM Criteria. Collection method: clinical testing. Allele origin: germline. Observed: 1 variant allele.
Comment: p.Tyr29660Tyr in exon 296 of TTN: This variant is not expected to have clinical significance because it does not alter an amino acid residue, is not located wit hin the splice consensus sequence. It has been identified in 23/66722 European c hromosomes by the Exome Aggregation Consortium (ExAC .org).

GeneDx
Classification: Benign. Last evaluated: 2014-01-13. Review status: criteria provided, single submitter. Criteria: GeneDx Variant Classification (06012015). Collection method: clinical testing. Allele origin: germline. Affected: yes.
Comment: This variant is considered likely benign or benign based on one or more of the following criteria: it is a conservative change, it occurs at a poorly conserved position in the protein, it is predicted to be benign by multiple in silico algorithms, and/or has population frequency not consistent with disease.

Clinical Genetics, Academic Medical Center
Classification: Benign. Review status: no assertion criteria provided. Collection method: clinical testing. Allele origin: germline. Affected: yes. Study: VKGL Data-share Consensus. Not counted in ClinVar's aggregate classification.

Joint Genome Diagnostic Labs from Nijmegen and Maastricht, Radboudumc and MUMC+
Classification: Likely benign. Review status: no assertion criteria provided. Collection method: clinical testing. Allele origin: germline. Affected: yes. Study: VKGL Data-share Consensus. Not counted in ClinVar's aggregate classification.